The following is an entry in ClinVar:

ClinVar aggregate classification (germline): Uncertain significance (1 of 4 stars; one submission).

Conditions:
Long QT syndrome (LQTS). Identifiers: MedGen C0023976, MeSH D008133, MONDO:0002442. Disease mechanism: loss of function. Inheritance: Various modes of inheritance.

Allele frequency attached by ClinVar (database versions not stated): gnomAD exomes below 0.00001 and 0.00003; gnomAD 0.00001.
gnomAD v4.1: 41 of 1,613,358 alleles (0.0025%); highest among the groups gnomAD compares: Non-Finnish European, 0.0033%; no homozygotes.

Submission:

Labcorp Genetics (formerly Invitae), Labcorp
Classification: Uncertain significance for Long QT syndrome. Last evaluated: 2020-06-18. Review status: criteria provided, single submitter. Criteria: Invitae Variant Classification Sherloc (09022015). Collection method: clinical testing. Allele origin: germline.
Comment: This sequence change replaces threonine with alanine at codon 1479 of the ANK2 protein (p.Thr1479Ala). The threonine residue is moderately conserved and there is a small physicochemical difference between threonine and alanine. This variant is not present in population databases (ExAC no frequency). This variant has not been reported in the literature in individuals with ANK2-related conditions. Algorithms developed to predict the effect of missense changes on protein structure and function are either unavailable or do not agree on the potential impact of this missense change (SIFT: "Tolerated"; PolyPhen-2: "Possibly Damaging"; Align-GVGD: "Class C0"). In summary, the available evidence is currently insufficient to determine the role of this variant in disease. Therefore, it has been classified as a Variant of Uncertain Significance.

NM_001148.6(ANK2):c.4435A>G (p.Thr1479Ala)

Gene: ANK2 (ankyrin 2; plus strand). Cytogenetic location: 4q26.
Variant type: single nucleotide variant.
Coding change: c.4435A>G on transcript NM_001148.6 (MANE Select); coding-DNA position 4435, A replaced by G.
Protein change: p.Thr1479Ala; replaces threonine 1479 with alanine.
Molecular consequence: missense variant. On other transcripts: intron variant (68).
Genome position (GRCh38, 1-based): chr4:113,353,053, A>G. VCF-style: chr4-113353053-A-G. GRCh37 (hg19) VCF-style: chr4-114274209-A-G.
Other names: c.4201A>G, p.Thr1401Ala (NM_001386142.1); c.835A>G, p.Thr279Ala (NM_001386166.1); c.4576A>G, p.Thr1526Ala (NM_001386174.1); c.4552A>G, p.Thr1518Ala (NM_001386175.1); c.4411+2804A>G (NM_001386186.2, NM_001386148.2); c.4213+2804A>G (NM_001354269.3); c.4291+2804A>G (NM_001386187.2); c.4252+2804A>G (NM_001386147.1); and 35 more; short protein forms T1401A, T1518A, T279A, T1479A, T1526A.
Identifiers: ClinVar variation 1042174 (VCV001042174.5), dbSNP rs1441559995, ClinGen allele CA357914416.
Genomic context (GRCh38, chr4:113,353,053, plus strand): 5'-ATATCTTTTTTGATTTCCATTTTACTTTCAATGTTTTTCATTCACATCAAAGATGATGAG[A>G]CAGAATCTACAGAAACATCTGTCCTGAAAAGTCACCTGGTTAATGAAGTTCCTGTCCTAG-3'
Protein context (NP_001139.3, residues 1469-1489): IDMTSEKNDE[Thr1479Ala]ESTETSVLKS